The following is an entry in ClinVar:

NM_001365536.1(SCN9A):c.4781T>G (p.Phe1594Cys)

Genes: SCN9A (sodium voltage-gated channel alpha subunit 9; minus strand), SCN1A-AS1 (SCN1A and SCN9A antisense RNA 1; plus strand). Cytogenetic location: 2q24.3.
Variant type: single nucleotide variant.
Coding change: c.4781T>G on transcript NM_001365536.1 (MANE Select); coding-DNA position 4781, T replaced by G.
Protein change: p.Phe1594Cys; replaces phenylalanine 1594 with cysteine.
Molecular consequence: missense variant.
Genome position (GRCh38, 1-based): chr2:166,199,858, A>C on the plus strand (T>G on the coding strand, the complement: SCN9A is on the minus strand). VCF-style: chr2-166199858-A-C. GRCh37 (hg19) VCF-style: chr2-167056368-A-C.
Other names: c.4748T>G, p.Phe1583Cys (NM_002977.4); short protein forms F1583C, F1594C.
Identifiers: ClinVar variation 934332 (VCV000934332.10), dbSNP rs1693399734, ClinGen allele CA349055958.
Genomic context (GRCh38, chr2:166,199,858, plus strand): 5'-AGACGGATCACTCGGAACAGGGTAGGGGACACAAAATACGTTTCAATCAAATCAGCTAGA[A>C]ACATACCTGTATGTGGAGGAAAATAATAGAAATAAAATATTTAAAGATGTATGCTACCTG-3'
Protein context (NP_001352465.1, residues 1584-1604): VVVIISIVGM[Phe1594Cys]LADLIETYFV

ClinVar aggregate classification (germline): Uncertain significance (1 of 4 stars; one submission).

Conditions:
Generalized epilepsy with febrile seizures plus, type 7 (GEFSP7). Also called: GEFS+, TYPE 7. Identifiers: Orphanet 36387, MedGen C2751778, MONDO:0013470, OMIM 613863.
Neuropathy, hereditary sensory and autonomic, type 2A (HSAN2A). Also called: ACROOSTEOLYSIS, GIACCAI TYPE; ACROOSTEOLYSIS, NEUROGENIC; HSAN IIA; WNK1-Related HSAN2 (HSAN2A); MORVAN DISEASE; NEUROPATHY, CONGENITAL SENSORY. Identifiers: Orphanet 970, MedGen C2752089, MONDO:0024309, OMIM 201300.

Submission:

Labcorp Genetics (formerly Invitae), Labcorp
Classification: Uncertain significance for Neuropathy, hereditary sensory and autonomic, type 2A; Generalized epilepsy with febrile seizures plus, type 7. Last evaluated: 2023-06-27. Review status: criteria provided, single submitter. Criteria: Invitae Variant Classification Sherloc (09022015). Collection method: clinical testing. Allele origin: germline.
Comment: In summary, the available evidence is currently insufficient to determine the role of this variant in disease. Therefore, it has been classified as a Variant of Uncertain Significance. Advanced modeling of protein sequence and biophysical properties (such as structural, functional, and spatial information, amino acid conservation, physicochemical variation, residue mobility, and thermodynamic stability) performed at Invitae indicates that this missense variant is not expected to disrupt SCN9A protein function. ClinVar contains an entry for this variant (Variation ID: 934332). This variant has not been reported in the literature in individuals affected with SCN9A-related conditions. This variant is not present in population databases (gnomAD no frequency). This sequence change replaces phenylalanine, which is neutral and non-polar, with cysteine, which is neutral and slightly polar, at codon 1583 of the SCN9A protein (p.Phe1583Cys).